The following is an entry in ClinVar:

NM_001035.3(RYR2):c.8557G>A (p.Ala2853Thr)

Gene: RYR2 (ryanodine receptor 2; plus strand). Cytogenetic location: 1q43.
Variant type: single nucleotide variant.
Coding change: c.8557G>A on transcript NM_001035.3 (MANE Select); coding-DNA position 8557, G replaced by A.
Protein change: p.Ala2853Thr; replaces alanine 2853 with threonine.
Molecular consequence: missense variant.
Genome position (GRCh38, 1-based): chr1:237,667,925, G>A. VCF-style: chr1-237667925-G-A. GRCh37 (hg19) VCF-style: chr1-237831225-G-A.
Other names: short protein forms A2853T.
Identifiers: ClinVar variation 2428815 (VCV002428815.3), dbSNP rs1684466539, ClinGen allele CA345402525.

ClinVar aggregate classification (germline): Uncertain significance (1 of 4 stars; one submission).

Allele frequency attached by ClinVar (database versions not stated): TOPMed below 0.00001; gnomAD 0.00001.

Submission:

GeneDx
Classification: Uncertain significance. Last evaluated: 2022-08-02. Review status: criteria provided, single submitter. Criteria: GeneDx Variant Classification Process June 2021. Collection method: clinical testing. Allele origin: germline. Affected: yes.
Comment: Not observed at significant frequency in large population cohorts (gnomAD); In silico analysis supports that this missense variant has a deleterious effect on protein structure/function; Not located in one of the three hot-spot regions of the RYR2 gene, where the majority of pathogenic missense variants occur (Medeiros-Domingo et al., 2009); Has not been previously published as pathogenic or benign to our knowledge; This variant is associated with the following publications: (PMID: 19926015)